The following is an entry in ClinVar:

NM_006514.4(SCN10A):c.5603A>C (p.His1868Pro)

Gene: SCN10A (sodium voltage-gated channel alpha subunit 10; minus strand). Cytogenetic location: 3p22.2.
Variant type: single nucleotide variant.
Coding change: c.5603A>C on transcript NM_006514.4 (MANE Select); coding-DNA position 5603, A replaced by C.
Protein change: p.His1868Pro; replaces histidine 1868 with proline.
Molecular consequence: missense variant.
Genome position (GRCh38, 1-based): chr3:38,697,617, T>G on the plus strand (A>C on the coding strand, the complement: SCN10A is on the minus strand). VCF-style: chr3-38697617-T-G. GRCh37 (hg19) VCF-style: chr3-38739108-T-G.
Other names: c.5600A>C, p.His1867Pro (NM_001293306.2); c.5309A>C, p.His1770Pro (NM_001293307.2); short protein forms H1868P, H1867P, H1770P.
Identifiers: ClinVar variation 463269 (VCV000463269.14), dbSNP rs115463830, ClinGen allele CA2319642.

ClinVar aggregate classification (germline): Likely benign. Review status: criteria provided, multiple submitters, no conflicts (2 of 4 stars). 3 submissions from 3 submitters: Likely benign (3). Last evaluated 2025-12-09.

Conditions:
Cardiovascular phenotype. Identifiers: MedGen CN230736.
SCN10A-related disorder. Also called: SCN10A-related condition.
Brugada syndrome. Also called: Sudden unexpected nocturnal death syndrome; Sudden unexplained nocturnal death syndrome; Sudden Unexplained Death Syndrome; Sudden Unexplained Nocturnal Death Syndrome (SUNDS). Identifiers: Orphanet 130, MedGen C1142166, MONDO:0015263.

Allele frequency attached by ClinVar (database versions not stated): gnomAD exomes 0.00003 and 0.00007; ExAC 0.00009; 1000 Genomes Project 30x 0.00016; 1000 Genomes Project 0.00020; gnomAD 0.00028 and 0.00032; ESP Exome Variant Server 0.00038; TOPMed 0.00041.
gnomAD v4.1: 87 of 1,614,198 alleles (0.0054%); highest among the groups gnomAD compares: African/African-American, 0.11%; no homozygotes.

Submissions (3):

PreventionGenetics, part of Exact Sciences
Classification: Likely benign for SCN10A-related condition. Last evaluated: 2025-12-09. Review status: criteria provided, single submitter. Criteria: ACMG Guidelines, 2015. Collection method: clinical testing. Allele origin: germline.
Comment: This variant is classified as likely benign based on ACMG/AMP sequence variant interpretation guidelines (Richards et al. 2015 PMID: 25741868, with internal and published modifications).

Labcorp Genetics (formerly Invitae), Labcorp
Classification: Likely benign for Brugada syndrome. Last evaluated: 2025-11-24. Review status: criteria provided, single submitter. Criteria: Invitae Variant Classification Sherloc (09022015). Collection method: clinical testing. Allele origin: germline.

Ambry Genetics
Classification: Likely benign for Cardiovascular phenotype. Last evaluated: 2021-08-02. Review status: criteria provided, single submitter. Criteria: Ambry Variant Classification Scheme 2023. Collection method: clinical testing. Allele origin: germline.